The following is an entry in ClinVar:

NM_014727.3(KMT2B):c.1735C>G (p.Pro579Ala)

Gene: KMT2B (lysine methyltransferase 2B; plus strand). Cytogenetic location: 19q13.12.
Variant type: single nucleotide variant.
Coding change: c.1735C>G on transcript NM_014727.3 (MANE Select); coding-DNA position 1735, C replaced by G.
Protein change: p.Pro579Ala; replaces proline 579 with alanine.
Molecular consequence: missense variant.
Genome position (GRCh38, 1-based): chr19:35,721,082, C>G. VCF-style: chr19-35721082-C-G. GRCh37 (hg19) VCF-style: chr19-36211984-C-G.
Other names: short protein forms P579A.
Identifiers: ClinVar variation 1371834 (VCV001371834.6), dbSNP rs2146437952, ClinGen allele CA405393433.
Genomic context (GRCh38, chr19:35,721,082, plus strand): 5'-GTCTCACCTGTCCTGCGACCTCCCATTACCACCTCCCCACCTGTTCCCCAGGAGCCAGCA[C>G]CAGTCCCCTCTCCACCACGTGCCCCAACTCCTCCATCTACCCCAGTTCCACTCCCTGAGA-3'
Protein context (NP_055542.1, residues 569-589): TSPPVPQEPA[Pro579Ala]VPSPPRAPTP

ClinVar aggregate classification (germline): Uncertain significance (1 of 4 stars; one submission).

Submission:

Labcorp Genetics (formerly Invitae), Labcorp
Classification: Uncertain significance. Last evaluated: 2021-08-20. Review status: criteria provided, single submitter. Criteria: Invitae Variant Classification Sherloc (09022015). Collection method: clinical testing. Allele origin: germline.
Comment: This sequence change replaces proline with alanine at codon 579 of the KMT2B protein (p.Pro579Ala). The proline residue is moderately conserved and there is a small physicochemical difference between proline and alanine. This variant is not present in population databases (ExAC no frequency). This variant has not been reported in the literature in individuals affected with KMT2B-related conditions. Algorithms developed to predict the effect of missense changes on protein structure and function are either unavailable or do not agree on the potential impact of this missense change (SIFT: "Tolerated"; PolyPhen-2: "Not Available"; Align-GVGD: "Class C0"). In summary, the available evidence is currently insufficient to determine the role of this variant in disease. Therefore, it has been classified as a Variant of Uncertain Significance.